The following is an entry in ClinVar:

ClinVar aggregate classification (germline): Uncertain significance (1 of 4 stars; one submission).

Submission:

Women's Health and Genetics/Laboratory Corporation of America, LabCorp
Classification: Uncertain significance. Last evaluated: 2023-05-18. Review status: criteria provided, single submitter. Criteria: LabCorp Variant Classification Summary - May 2015. Collection method: clinical testing. Allele origin: germline.
Comment: Variant summary: ERCC2 c.1780G>C (p.Ala594Pro) results in a non-conservative amino acid change to a well-conserved residue located in the ATP-dependent helicase, C-terminal (IPR006555) of the encoded protein sequence. Five of five in-silico tools predict a damaging effect of the variant on protein function. The variant was absent in 251104 control chromosomes. c.1780G>C has been reported in the literature in an individual affected with trichothiodystrophy and decifient nucleotide excision repair (Viprakasit_2001), and this patient was reported as compound heterozygous with an unspecified intron 7 splicing variant. These data indicate the variant may be associated with disease. To our knowledge, no experimental evidence demonstrating an impact on protein function has been reported. The following publication has been ascertained in the context of this evaluation (PMID: 11734544). No clinical diagnostic laboratories have submitted clinical-significance assessments for this variant to ClinVar after 2014. Based on the evidence outlined above, the variant was classified as VUS-possibly pathogenic.

Literature cited by the submitters: PubMed 11734544.

NM_000400.4(ERCC2):c.1780G>C (p.Ala594Pro)

Gene: ERCC2 (ERCC excision repair 2, TFIIH core complex helicase subunit; minus strand). Cytogenetic location: 19q13.32.
Variant type: single nucleotide variant.
Coding change: c.1780G>C on transcript NM_000400.4 (MANE Select); coding-DNA position 1780, G replaced by C.
Protein change: p.Ala594Pro; replaces alanine 594 with proline.
Molecular consequence: missense variant.
Genome position (GRCh38, 1-based): chr19:45,353,134, C>G on the plus strand (G>C on the coding strand, the complement: ERCC2 is on the minus strand). VCF-style: chr19-45353134-C-G. GRCh37 (hg19) VCF-style: chr19-45856392-C-G.
Other names: short protein forms A594P.
Identifiers: ClinVar variation 2506191 (VCV002506191.1), dbSNP rs1971880596, ClinGen allele CA406364205.